The following is an entry in ClinVar:

NM_000091.5(COL4A3):c.2957_2972del (p.Leu986fs)

Genes: COL4A3 (collagen type IV alpha 3 chain; plus strand), MFF-DT (MFF divergent transcript; minus strand). Cytogenetic location: 2q36.3.
Variant type: Deletion.
Coding change: c.2957_2972del on transcript NM_000091.5 (MANE Select); coding-DNA positions 2957 to 2972, 16 bases deleted (TACCCGGACCAGCAGG).
Protein change: p.Leu986fs; shifts the reading frame from leucine 986.
Molecular consequence: frameshift variant.
Genome position (GRCh38, 1-based): chr2:227,289,225-227,289,240, TACCCGGACCAGCAGG deleted. VCF-style (leftmost placement, unchanged base first): chr2-227289224-CTACCCGGACCAGCAGG-C. GRCh37 (hg19) VCF-style: chr2-228153940-CTACCCGGACCAGCAGG-C.
Other names: short protein forms L986fs.
Identifiers: ClinVar variation 3586072 (VCV003586072.2).

ClinVar aggregate classification (germline): Pathogenic/Likely pathogenic. Review status: criteria provided, multiple submitters, no conflicts (2 of 4 stars). 2 submissions from 2 submitters: Pathogenic (1); Likely pathogenic (1). Last evaluated 2026-04-24.

Conditions:
Alport syndrome. Also called: Hemorrhagic familial nephritis; Hemorrhagic hereditary nephritis; Congenital hereditary hematuria. Identifiers: Orphanet 63, MedGen C1567741, MONDO:0018965.
Autosomal dominant Alport syndrome (ATS3A). Also called: Alport syndrome dominant type; Renal failure and sensorineural hearing loss; ALPORT SYNDROME 3A, AUTOSOMAL DOMINANT. Identifiers: Orphanet 63, Orphanet 88918, MedGen C5882663, MONDO:0007086, OMIM 104200.
Hematuria, benign familial, 2 (BFH2). Identifiers: MedGen C5830421, MONDO:0958186, OMIM 620320.
Alport syndrome 3b, autosomal recessive. Identifiers: MedGen C5882699, MONDO:0957811, OMIM 620536.

Submissions (2):

Myriad Genetics, Inc.
Classification: Pathogenic for Alport syndrome. Last evaluated: 2026-04-24. Review status: criteria provided, single submitter. Criteria: Myriad Autosomal Dominant, Autosomal Recessive and X-Linked Classification Criteria (2023). Collection method: clinical testing. Allele origin: unknown.
Comment: NM_000091.4(COL4A3):c.2957_2972del16(L986Hfs*163) is expected to be pathogenic in the context of Alport syndrome, COL4A3-related. This variant is predicted to lead to an abnormal or absent protein product due to the creation of a premature termination codon in COL4A3, a gene where loss-of-function variants are known to be pathogenic. Please note: this variant was assessed in the context of healthy population screening.

Fulgent Genetics
Classification: Likely pathogenic for Autosomal dominant Alport syndrome; Hematuria, benign familial, 2; Alport syndrome 3b, autosomal recessive. Last evaluated: 2024-01-04. Review status: criteria provided, single submitter. Criteria: ACMG Guidelines, 2015. Collection method: clinical testing. Allele origin: germline.